The following is an entry in ClinVar:

NM_000836.4(GRIN2D):c.49CTG[5] (p.Leu20dup)

Gene: GRIN2D (glutamate ionotropic receptor NMDA type subunit 2D; plus strand). Cytogenetic location: 19q13.33.
Variant type: Microsatellite.
Coding change: c.49CTG[5] on transcript NM_000836.4 (MANE Select); five copies in a row of the 3-base unit CTG starting at c.49; the reference has four copies in a row; one copy, 3 bases duplicated; also written c.58_60dup.
Protein change: p.Leu20dup; duplicates leucine 20.
Molecular consequence: inframe insertion.
Genome position (GRCh38, 1-based): chr19:48,398,450-48,398,452, CTG duplicated; duplicating any 3 consecutive bases within chr19:48,398,439-48,398,452 gives the same sequence; the position shown is the placement nearest the transcript's 3' end. VCF-style (leftmost placement, unchanged base first): chr19-48398438-A-ATGC. GRCh37 (hg19) VCF-style: chr19-48901695-A-ATGC.
Other names: c.58_60dup (NM_000836.2).
Identifiers: ClinVar variation 1481276 (VCV001481276.10), dbSNP rs919633142, ClinGen allele CA309325450.

ClinVar aggregate classification (germline): Uncertain significance. Review status: criteria provided, multiple submitters, no conflicts (2 of 4 stars). 2 submissions from 2 submitters: Uncertain significance (2). Last evaluated 2025-06-16.

Conditions:
Developmental and epileptic encephalopathy, 46 (DEE46). Also called: Epileptic encephalopathy, early infantile, 46; GRIN2D-Related Developmental and Epileptic Encephalopathy. Identifiers: MedGen C4310687, MONDO:0014947, OMIM 617162.

Submissions (2):

Labcorp Genetics (formerly Invitae), Labcorp
Classification: Uncertain significance. Last evaluated: 2025-06-16. Review status: criteria provided, single submitter. Criteria: Invitae Variant Classification Sherloc (09022015). Collection method: clinical testing. Allele origin: germline.
Comment: This variant, c.58_60dup, results in the insertion of 1 amino acid(s) of the GRIN2D protein (p.Leu20dup), but otherwise preserves the integrity of the reading frame. This variant is present in population databases (no rsID available, gnomAD 0.007%). This variant has not been reported in the literature in individuals affected with GRIN2D-related conditions. ClinVar contains an entry for this variant (Variation ID: 1481276). Experimental studies and prediction algorithms are not available or were not evaluated, and the functional significance of this variant is currently unknown. In summary, the available evidence is currently insufficient to determine the role of this variant in disease. Therefore, it has been classified as a Variant of Uncertain Significance.

Revvity Omics, Revvity
Classification: Uncertain significance for Developmental and epileptic encephalopathy, 46. Last evaluated: 2022-10-11. Review status: criteria provided, single submitter. Criteria: ACMG Guidelines, 2015. Collection method: clinical testing. Allele origin: germline.